The following is an entry in ClinVar:

NM_001177701.3(IFT27):c.216G>A (p.Ser72=)

Genes: CACNG2-DT (CACNG2 divergent transcript; plus strand), IFT27 (intraflagellar transport 27; minus strand), LOC126863139 (CDK7 strongly-dependent group 2 enhancer GRCh37_chr22:37161913-37163112; plus strand). Cytogenetic location: 22q12.3.
Variant type: single nucleotide variant.
Coding change: c.216G>A on transcript NM_001177701.3 (MANE Select); coding-DNA position 216, G replaced by A.
Protein change: p.Ser72=; no amino-acid change (serine 72 retained).
Molecular consequence: synonymous variant.
Genome position (GRCh38, 1-based): chr22:36,766,156, C>T on the plus strand (G>A on the coding strand, the complement: IFT27 is on the minus strand). VCF-style: chr22-36766156-C-T. GRCh37 (hg19) VCF-style: chr22-37162200-C-T.
Other names: c.213G>A (NM_006860.4); c.216G>A, p.Ser72= (NM_001363003.2); c.213G>A, p.Ser71= (NM_006860.5).
Identifiers: ClinVar variation 2913369 (VCV002913369.6), dbSNP rs549372362, ClinGen allele CA10212455.

ClinVar aggregate classification (germline): Likely benign. Review status: criteria provided, multiple submitters, no conflicts (2 of 4 stars). 3 submissions from 3 submitters: Likely benign (2). 1 of the submissions does not count toward it. Last evaluated 2025-11-06.

Conditions:
IFT27-related disorder. Also called: IFT27-related condition.

Allele frequency attached by ClinVar (database versions not stated): TOPMed 0.00001; gnomAD 0.00003; gnomAD exomes 0.00014; 1000 Genomes Project 30x 0.00016; 1000 Genomes Project 0.00020; ExAC 0.00029.
gnomAD v4.1: 197 of 1,614,118 alleles (0.012%); highest among the groups gnomAD compares: South Asian, 0.2%; 3 homozygotes.

Submissions (3):

Labcorp Genetics (formerly Invitae), Labcorp
Classification: Likely benign. Last evaluated: 2025-11-06. Review status: criteria provided, single submitter. Criteria: Invitae Variant Classification Sherloc (09022015). Collection method: clinical testing. Allele origin: germline.

Blueprint Genetics
Classification: Likely benign. Last evaluated: 2021-11-23. Review status: criteria provided, single submitter. Criteria: ACMG Guidelines, 2015. Collection method: clinical testing. Allele origin: germline.

PreventionGenetics, part of Exact Sciences
Classification: Likely benign for IFT27-related condition. Last evaluated: 2020-07-17. Review status: no assertion criteria provided. Collection method: clinical testing. Allele origin: germline. Not counted in ClinVar's aggregate classification.
Comment: This variant is classified as likely benign based on ACMG/AMP sequence variant interpretation guidelines (Richards et al. 2015 PMID: 25741868, with internal and published modifications).